The following is an entry in ClinVar:

ClinVar aggregate classification (germline): Likely benign. Review status: criteria provided, multiple submitters, no conflicts (2 of 4 stars). 5 submissions from 4 submitters: Likely benign (5). Last evaluated 2026-01-14.

Conditions:
Autosomal dominant nocturnal frontal lobe epilepsy 5. Also called: KCNT1-Related Epilepsy; CILIARY DYSKINESIA, PRIMARY, 28, WITHOUT SITUS INVERSUS; CILIARY DYSKINESIA, PRIMARY, 28, WITH SITUS INVERSUS; Epilepsy, nocturnal frontal lobe, 5. Identifiers: Orphanet 98784, MedGen C3554306, MONDO:0014002, OMIM 615005.
Developmental and epileptic encephalopathy, 14 (DEE14). Also called: Early infantile epileptic encephalopathy 14. Identifiers: Orphanet 293181, MedGen C3554195, MONDO:0013989, OMIM 614959.

gnomAD v4.1: 55 of 1,613,854 alleles (0.0034%); highest among the groups gnomAD compares: Admixed American, 0.01%; no homozygotes.

Submissions (5):

Labcorp Genetics (formerly Invitae), Labcorp
Classification: Likely benign for Autosomal dominant nocturnal frontal lobe epilepsy 5; Developmental and epileptic encephalopathy, 14. Last evaluated: 2026-01-14. Review status: criteria provided, single submitter. Criteria: Invitae Variant Classification Sherloc (09022015). Collection method: clinical testing. Allele origin: germline.

Genome-Nilou Lab
Classification: Likely benign for Developmental and epileptic encephalopathy, 14. Last evaluated: 2022-03-15. Review status: criteria provided, single submitter. Criteria: ACMG Guidelines, 2015. Collection method: clinical testing. Allele origin: germline. Affected: no.

Genome-Nilou Lab
Classification: Likely benign for Autosomal dominant nocturnal frontal lobe epilepsy 5. Last evaluated: 2022-03-15. Review status: criteria provided, single submitter. Criteria: ACMG Guidelines, 2015. Collection method: clinical testing. Allele origin: germline. Affected: no.

Blueprint Genetics
Classification: Likely benign. Last evaluated: 2021-05-17. Review status: criteria provided, single submitter. Criteria: ACMG Guidelines, 2015. Collection method: clinical testing. Allele origin: germline.

GeneDx
Classification: Likely benign. Last evaluated: 2017-11-15. Review status: criteria provided, single submitter. Criteria: GeneDx Variant Classification (06012015). Collection method: clinical testing. Allele origin: germline. Affected: yes.
Comment: This variant is considered likely benign or benign based on one or more of the following criteria: it is a conservative change, it occurs at a poorly conserved position in the protein, it is predicted to be benign by multiple in silico algorithms, and/or has population frequency not consistent with disease.

NM_020822.3(KCNT1):c.3555G>A (p.Pro1185=)

Gene: KCNT1 (potassium sodium-activated channel subfamily T member 1; plus strand). Cytogenetic location: 9q34.3.
Variant type: single nucleotide variant.
Coding change: c.3555G>A on transcript NM_020822.3 (MANE Select); coding-DNA position 3555, G replaced by A.
Protein change: p.Pro1185=; no amino-acid change (proline 1185 retained).
Molecular consequence: synonymous variant.
Genome position (GRCh38, 1-based): chr9:135,791,849, G>A. VCF-style: chr9-135791849-G-A. GRCh37 (hg19) VCF-style: chr9-138683695-G-A.
Other names: c.3483G>A, p.Pro1161= (NM_001272003.2).
Identifiers: ClinVar variation 386458 (VCV000386458.14), dbSNP rs144068763, ClinGen allele CA5327942.